The following is an entry in ClinVar:

ClinVar aggregate classification (germline): Uncertain significance. Review status: criteria provided, multiple submitters, no conflicts (2 of 4 stars). 3 submissions from 3 submitters: Uncertain significance (3). Last evaluated 2025-08-29.

Conditions:
Myopathy, proximal, and ophthalmoplegia (CMYO6). Also called: MYOPATHY WITH CONGENITAL JOINT CONTRACTURES, OPHTHALMOPLEGIA, AND RIMMED VACUOLES; CONGENITAL MYOPATHY 6 WITH OPHTHALMOPLEGIA; INCLUSION BODY MYOPATHY 3, AUTOSOMAL DOMINANT. Identifiers: Orphanet 363677, Orphanet 79091, MedGen C1854106, MONDO:0011577, OMIM 605637.
Inborn genetic diseases. Identifiers: MedGen C0950123, MeSH D030342.

Allele frequency attached by ClinVar (database versions not stated): gnomAD 0.00001; gnomAD exomes 0.00002; TOPMed 0.00002.

Submissions (3):

Ambry Genetics
Classification: Uncertain significance for Inborn genetic diseases. Last evaluated: 2025-08-29. Review status: criteria provided, single submitter. Criteria: Ambry Variant Classification Scheme 2023. Collection method: clinical testing. Allele origin: germline.

Labcorp Genetics (formerly Invitae), Labcorp
Classification: Uncertain significance for Myopathy, proximal, and ophthalmoplegia. Last evaluated: 2025-03-01. Review status: criteria provided, single submitter. Criteria: Invitae Variant Classification Sherloc (09022015). Collection method: clinical testing. Allele origin: germline.
Comment: This sequence change replaces glycine, which is neutral and non-polar, with arginine, which is basic and polar, at codon 461 of the MYH2 protein (p.Gly461Arg). This variant is present in population databases (no rsID available, gnomAD 0.02%). This variant has not been reported in the literature in individuals affected with MYH2-related conditions. ClinVar contains an entry for this variant (Variation ID: 534346). Invitae Evidence Modeling of protein sequence and biophysical properties (such as structural, functional, and spatial information, amino acid conservation, physicochemical variation, residue mobility, and thermodynamic stability) indicates that this missense variant is expected to disrupt MYH2 protein function with a positive predictive value of 80%. In summary, the available evidence is currently insufficient to determine the role of this variant in disease. Therefore, it has been classified as a Variant of Uncertain Significance.

Blueprint Genetics
Classification: Uncertain significance. Last evaluated: 2024-10-29. Review status: criteria provided, single submitter. Criteria: ACMG Guidelines, 2015. Collection method: clinical testing. Allele origin: germline.

NM_017534.6(MYH2):c.1381G>A (p.Gly461Arg)

Genes: MYH2 (myosin heavy chain 2; minus strand), MYHAS (myosin heavy chain gene cluster antisense RNA; plus strand). Cytogenetic location: 17p13.1.
Variant type: single nucleotide variant.
Coding change: c.1381G>A on transcript NM_017534.6 (MANE Select); coding-DNA position 1381, G replaced by A.
Protein change: p.Gly461Arg; replaces glycine 461 with arginine.
Molecular consequence: missense variant.
Genome position (GRCh38, 1-based): chr17:10,539,240, C>T on the plus strand (G>A on the coding strand, the complement: MYH2 is on the minus strand). VCF-style: chr17-10539240-C-T. GRCh37 (hg19) VCF-style: chr17-10442557-C-T.
Other names: c.1381G>A, p.Gly461Arg (NM_001100112.2); short protein forms G461R.
Identifiers: ClinVar variation 534346 (VCV000534346.8), dbSNP rs1238892450, ClinGen allele CA398158722.